The following is an entry in ClinVar:

NM_000038.6(APC):c.3104A>C (p.Gln1035Pro)

Gene: APC (APC regulator of Wnt signaling pathway; plus strand). Cytogenetic location: 5q22.2.
Variant type: single nucleotide variant.
Coding change: c.3104A>C on transcript NM_000038.6 (MANE Select); coding-DNA position 3104, A replaced by C.
Protein change: p.Gln1035Pro; replaces glutamine 1035 with proline.
Molecular consequence: missense variant.
Genome position (GRCh38, 1-based): chr5:112,838,698, A>C. VCF-style: chr5-112838698-A-C. GRCh37 (hg19) VCF-style: chr5-112174395-A-C.
Other names: c.3104A>C, p.Gln1035Pro (NM_001127510.3, NM_001354895.2); c.3050A>C, p.Gln1017Pro (NM_001127511.3); c.3158A>C, p.Gln1053Pro (NM_001354896.2); c.3134A>C, p.Gln1045Pro (NM_001354897.2); c.3029A>C, p.Gln1010Pro (NM_001354898.2); c.3020A>C, p.Gln1007Pro (NM_001354899.2); c.2981A>C, p.Gln994Pro (NM_001354900.2); c.2927A>C, p.Gln976Pro (NM_001354901.2); and 5 more; short protein forms Q1017P, Q1035P, Q976P, Q1045P, Q1053P, Q752P, Q875P, Q934P.
Identifiers: ClinVar variation 411437 (VCV000411437.10), dbSNP rs1060503303, ClinGen allele CA16028133.

ClinVar aggregate classification (germline): Uncertain significance (1 of 4 stars; one submission).

Conditions:
Familial adenomatous polyposis 1 (FAP1). Also called: FAMILIAL ADENOMATOUS POLYPOSIS 1, ATTENUATED; POLYPOSIS, ADENOMATOUS INTESTINAL. Identifiers: MedGen C2713442, MONDO:0021056, OMIM 175100. Disease mechanism: loss of function.

Submission:

Labcorp Genetics (formerly Invitae), Labcorp
Classification: Uncertain significance for Familial adenomatous polyposis 1. Last evaluated: 2024-02-24. Review status: criteria provided, single submitter. Criteria: Invitae Variant Classification Sherloc (09022015). Collection method: clinical testing. Allele origin: germline.
Comment: This sequence change replaces glutamine, which is neutral and polar, with proline, which is neutral and non-polar, at codon 1035 of the APC protein (p.Gln1035Pro). This variant is not present in population databases (gnomAD no frequency). This variant has not been reported in the literature in individuals affected with APC-related conditions. ClinVar contains an entry for this variant (Variation ID: 411437). Advanced modeling of protein sequence and biophysical properties (such as structural, functional, and spatial information, amino acid conservation, physicochemical variation, residue mobility, and thermodynamic stability) performed at Invitae indicates that this missense variant is not expected to disrupt APC protein function with a negative predictive value of 95%. In summary, the available evidence is currently insufficient to determine the role of this variant in disease. Therefore, it has been classified as a Variant of Uncertain Significance.